The following is an entry in ClinVar:

ClinVar aggregate classification (germline): Uncertain significance (1 of 4 stars; one submission).

gnomAD v4.1: 11 of 1,614,080 alleles (0.00068%); highest among the groups gnomAD compares: Non-Finnish European, 0.00093%; no homozygotes.

Submission:

GeneDx
Classification: Uncertain significance. Last evaluated: 2024-06-07. Review status: criteria provided, single submitter. Criteria: GeneDx Variant Classification Process June 2021. Collection method: clinical testing. Allele origin: germline. Affected: yes.
Comment: Not observed at significant frequency in large population cohorts (gnomAD); In silico analysis indicates that this missense variant does not alter protein structure/function; Has not been previously published as pathogenic or benign to our knowledge

NM_170606.3(KMT2C):c.11462A>C (p.Gln3821Pro)

Gene: KMT2C (lysine methyltransferase 2C; minus strand). Cytogenetic location: 7q36.1.
Variant type: single nucleotide variant.
Coding change: c.11462A>C on transcript NM_170606.3 (MANE Select); coding-DNA position 11462, A replaced by C.
Protein change: p.Gln3821Pro; replaces glutamine 3821 with proline.
Molecular consequence: missense variant.
Genome position (GRCh38, 1-based): chr7:152,159,071, T>G on the plus strand (A>C on the coding strand, the complement: KMT2C is on the minus strand). VCF-style: chr7-152159071-T-G. GRCh37 (hg19) VCF-style: chr7-151856156-T-G.
Other names: short protein forms Q3821P.
Identifiers: ClinVar variation 3384323 (VCV003384323.1).